The following is an entry in ClinVar:

NM_001164665.2(KIAA1549):c.701C>T (p.Ser234Leu)

Gene: KIAA1549 (KIAA1549; minus strand). Cytogenetic location: 7q34.
Variant type: single nucleotide variant.
Coding change: c.701C>T on transcript NM_001164665.2 (MANE Select); coding-DNA position 701, C replaced by T.
Protein change: p.Ser234Leu; replaces serine 234 with leucine.
Molecular consequence: missense variant.
Genome position (GRCh38, 1-based): chr7:138,918,925, G>A on the plus strand (C>T on the coding strand, the complement: KIAA1549 is on the minus strand). VCF-style: chr7-138918925-G-A. GRCh37 (hg19) VCF-style: chr7-138603671-G-A.
Other names: c.701C>T, p.Ser234Leu (NM_020910.3); short protein forms S234L.
Identifiers: ClinVar variation 1348499 (VCV001348499.6), dbSNP rs1812446495, ClinGen allele CA369402184.
Genomic context (GRCh38, chr7:138,918,925, plus strand): 5'-GGATAAAGCACCAAATTCCTGCCAGGAGTTGGAACGATGCCCTCAGAGGTGCGAAAAGCT[G>A]ACCGAAAGGTGTGGAAATGACTGGCGGACTCAGCATATGCCGCTGGTTGTCGCGTTGTGT-3'
Protein context (NP_001158137.1, residues 224-244): ESASHFHTFR[Ser234Leu]AFRTSEGIVP

ClinVar aggregate classification (germline): Uncertain significance (1 of 4 stars; one submission).

Allele frequency attached by ClinVar (database versions not stated): TOPMed below 0.00001.

Submission:

Labcorp Genetics (formerly Invitae), Labcorp
Classification: Uncertain significance. Last evaluated: 2024-10-25. Review status: criteria provided, single submitter. Criteria: Invitae Variant Classification Sherloc (09022015). Collection method: clinical testing. Allele origin: germline.
Comment: This sequence change replaces serine, which is neutral and polar, with leucine, which is neutral and non-polar, at codon 234 of the KIAA1549 protein (p.Ser234Leu). This variant is not present in population databases (gnomAD no frequency). This variant has not been reported in the literature in individuals affected with KIAA1549-related conditions. ClinVar contains an entry for this variant (Variation ID: 1348499). An algorithm developed to predict the effect of missense changes on protein structure and function (PolyPhen-2) suggests that this variant is likely to be disruptive. In summary, the available evidence is currently insufficient to determine the role of this variant in disease. Therefore, it has been classified as a Variant of Uncertain Significance.